The following is an entry in ClinVar:

NM_004380.3(CREBBP):c.4050T>A (p.Asn1350Lys)

Gene: CREBBP (CREB binding lysine acetyltransferase; minus strand). Cytogenetic location: 16p13.3.
Variant type: single nucleotide variant.
Coding change: c.4050T>A on transcript NM_004380.3 (MANE Select); coding-DNA position 4050, T replaced by A.
Protein change: p.Asn1350Lys; replaces asparagine 1350 with lysine.
Molecular consequence: missense variant.
Genome position (GRCh38, 1-based): chr16:3,740,482, A>T on the plus strand (T>A on the coding strand, the complement: CREBBP is on the minus strand). VCF-style: chr16-3740482-A-T. GRCh37 (hg19) VCF-style: chr16-3790483-A-T.
Other names: c.3936T>A, p.Asn1312Lys (NM_001079846.1); short protein forms N1312K, N1350K.
Identifiers: ClinVar variation 997005 (VCV000997005.3), dbSNP rs2052177028, ClinGen allele CA394565376.
Genomic context (GRCh38, chr16:3,740,482, plus strand): 5'-CTCCACCGTCTTGTCTGAGCTGGCCACCACTCGGACAAAAACCTCCCCGGCTTCAGGGTG[A>T]TTCTGGCGCCGCAAAAATTTGTTCACTCGGTCTTCCAAGTGGTTTCCCAGTCTTGTGGTC-3'
Protein context (NP_004371.2, residues 1340-1360): DRVNKFLRRQ[Asn1350Lys]HPEAGEVFVR

ClinVar aggregate classification (germline): Uncertain significance (1 of 4 stars; one submission).

Conditions:
Menke-Hennekam syndrome 1 (MKHK1). Identifiers: MedGen C5193034, MONDO:0020763, OMIM 618332.

Submission:

Institute of Human Genetics, University of Goettingen
Classification: Uncertain significance for Menke-Hennekam syndrome 1. Last evaluated: 2020-11-17. Review status: criteria provided, single submitter. Criteria: ACMG Guidelines, 2015. Collection method: clinical testing. Allele origin: unknown. Inheritance: Autosomal dominant inheritance. Observed: 1 variant allele, 1 heterozygote.
Comment: The variant c.4050T>A, (p.(Asn1350Lys)) in exon 24 of the CREBBP-gene is not found in the gnomAD database. The mutation has not yet been described in the literature or listed in the databases HGMD and ClinVar databases. The mutation is located in the protein domain of CREBBP and affects a highly conserved amino acid. This variant has a pathogenic computational verdict based on in silico prediction programs (M-CAP, MutationTaster, PolyPhen-2, SIFT), but to our knowledge no functional characterization to determine the functional consequence of this substitution was performed as of yet. ACMG criteria used for classification: PM1, PM2, PP2.